The following is an entry in ClinVar:

NM_001148.6(ANK2):c.868G>A (p.Gly290Ser)

Gene: ANK2 (ankyrin 2; plus strand). Cytogenetic location: 4q26.
Variant type: single nucleotide variant.
Coding change: c.868G>A on transcript NM_001148.6 (MANE Select); coding-DNA position 868, G replaced by A.
Protein change: p.Gly290Ser; replaces glycine 290 with serine.
Molecular consequence: missense variant.
Genome position (GRCh38, 1-based): chr4:113,242,186, G>A. VCF-style: chr4-113242186-G-A. GRCh37 (hg19) VCF-style: chr4-114163342-G-A.
Other names: c.805G>A, p.Gly269Ser (NM_001127493.3, NM_001354239.2, NM_001354243.2 and 14 more transcripts); c.868G>A, p.Gly290Ser (NM_001354225.2, NM_001354228.2, NM_001354232.2 and 9 more transcripts); c.913G>A, p.Gly305Ser (NM_001354230.2, NM_001354231.2, NM_001354237.2 and 5 more transcripts); c.781G>A, p.Gly261Ser (NM_001354249.2, NM_001354260.2, NM_001354264.2 and 16 more transcripts); c.826G>A, p.Gly276Ser (NM_001354261.2, NM_001386147.1, NM_001386160.1); c.856G>A, p.Gly286Ser (NM_001354269.3, NM_001386148.2, NM_001386186.2); c.919G>A, p.Gly307Ser (NM_001386174.1); c.895G>A, p.Gly299Ser (NM_001386175.1); and 1 more; short protein forms G290S, G269S, G261S, G276S, G286S, G305S, G278S, G299S.
Identifiers: ClinVar variation 406471 (VCV000406471.5), dbSNP rs761620495, ClinGen allele CA3050125.

ClinVar aggregate classification (germline): Uncertain significance (1 of 4 stars; one submission).

Conditions:
Long QT syndrome (LQTS). Identifiers: MedGen C0023976, MeSH D008133, MONDO:0002442. Disease mechanism: loss of function. Inheritance: Various modes of inheritance.

Allele frequency attached by ClinVar (database versions not stated): gnomAD 0.00001; ExAC 0.00002; gnomAD exomes 0.00002.
gnomAD v4.1: 31 of 1,613,710 alleles (0.0019%); highest among the groups gnomAD compares: South Asian, 0.0022%; no homozygotes.

Submission:

Labcorp Genetics (formerly Invitae), Labcorp
Classification: Uncertain significance for Long QT syndrome. Last evaluated: 2025-11-21. Review status: criteria provided, single submitter. Criteria: Invitae Variant Classification Sherloc (09022015). Collection method: clinical testing. Allele origin: germline.
Comment: This sequence change replaces glycine, which is neutral and non-polar, with serine, which is neutral and polar, at codon 290 of the ANK2 protein (p.Gly290Ser). This variant is present in population databases (rs761620495, gnomAD 0.004%). This variant has not been reported in the literature in individuals affected with ANK2-related conditions. ClinVar contains an entry for this variant (Variation ID: 406471). Invitae Evidence Modeling of protein sequence and biophysical properties (such as structural, functional, and spatial information, amino acid conservation, physicochemical variation, residue mobility, and thermodynamic stability) indicates that this missense variant is not expected to disrupt ANK2 protein function with a negative predictive value of 80%. In summary, the available evidence is currently insufficient to determine the role of this variant in disease. Therefore, it has been classified as a Variant of Uncertain Significance.